The following is an entry in ClinVar:

ClinVar aggregate classification (germline): Uncertain significance. Review status: criteria provided, multiple submitters, no conflicts (2 of 4 stars). 2 submissions from 2 submitters: Uncertain significance (2). Last evaluated 2024-08-01.

Conditions:
Inborn genetic diseases. Identifiers: MedGen C0950123, MeSH D030342.

Allele frequency attached by ClinVar (database versions not stated): gnomAD 0.00002 and 0.00004; TOPMed 0.00004; ExAC 0.00005; gnomAD exomes 0.00006; 1000 Genomes Project 30x 0.00031; 1000 Genomes Project 0.00040.
gnomAD v4.1: 36 of 1,611,536 alleles (0.0022%); highest among the groups gnomAD compares: East Asian, 0.08%; no homozygotes.

Submissions (2):

Ambry Genetics
Classification: Uncertain significance for Inborn genetic diseases. Last evaluated: 2024-08-01. Review status: criteria provided, single submitter. Criteria: Ambry Variant Classification Scheme 2023. Collection method: clinical testing. Allele origin: germline.

Laboratory for Molecular Medicine, Mass General Brigham Personalized Medicine
Classification: Uncertain significance. Last evaluated: 2017-06-26. Review status: criteria provided, single submitter. Criteria: LMM Criteria. Collection method: clinical testing. Allele origin: germline. Observed: 1 variant allele.
Comment: Variant classified as Uncertain Significance - Favor Benign. The p.Asn1249Lys va riant in MYO3A has not been previously reported in individuals with hearing loss , but has been identified in 0.1% (19/18708) of East Asian chromosomes by the Ge nome Aggregation Database (gnomAD; dbSNP rs201 263014). Although this variant has been seen in the general population, its freq uency is not high enough to rule out a pathogenic role. Computational prediction tools and conservation analyses suggest that this variant may not impact the pr otein, though this information is not predictive enough to rule out pathogenicit y. In summary, while the clinical significance of the p.Asn1249Lys variant is un certain, these data suggest that it is more likely to be benign.

NM_017433.5(MYO3A):c.3747T>A (p.Asn1249Lys)

Gene: MYO3A (myosin IIIA; plus strand). Cytogenetic location: 10p12.1.
Variant type: single nucleotide variant.
Coding change: c.3747T>A on transcript NM_017433.5 (MANE Select); coding-DNA position 3747, T replaced by A.
Protein change: p.Asn1249Lys; replaces asparagine 1249 with lysine.
Molecular consequence: missense variant.
Genome position (GRCh38, 1-based): chr10:26,174,011, T>A. VCF-style: chr10-26174011-T-A. GRCh37 (hg19) VCF-style: chr10-26462940-T-A.
Other names: short protein forms N1249K.
Identifiers: ClinVar variation 517454 (VCV000517454.8), dbSNP rs201263014, ClinGen allele CA5445322.